The following is an entry in ClinVar:

ClinVar aggregate classification (germline): Uncertain significance. Review status: criteria provided, multiple submitters, no conflicts (2 of 4 stars). 3 submissions from 3 submitters: Uncertain significance (2). 1 of the submissions does not count toward it. Last evaluated 2025-07-14.

Conditions:
Inborn genetic diseases. Identifiers: MedGen C0950123, MeSH D030342.
Charcot-Marie-Tooth disease type 4. Also called: Charcot-Marie-Tooth disease, type IV; Charcot-Marie-Tooth, Type 4. Identifiers: Orphanet 64749, MedGen C4082197, MONDO:0018995.
Charcot-Marie-Tooth disease type 4D. Also called: NEUROPATHY, HEREDITARY MOTOR AND SENSORY, LOM TYPE; Charcot-Marie-Tooth Neuropathy Type 4D; CHARCOT-MARIE-TOOTH DISEASE, DEMYELINATING, TYPE 4D; CHARCOT-MARIE-TOOTH DISEASE, DEMYELINATING, AUTOSOMAL RECESSIVE, TYPE 4D. Identifiers: Orphanet 99950, MedGen C1832334, MONDO:0011085, OMIM 601455.

Allele frequency attached by ClinVar (database versions not stated): TOPMed below 0.00001; gnomAD 0.00001; gnomAD exomes 0.00001 and 0.00002; ExAC 0.00002.
gnomAD v4.1: 12 of 1,614,064 alleles (0.00074%); highest among the groups gnomAD compares: East Asian, 0.0045%; no homozygotes.

Submissions (3):

Labcorp Genetics (formerly Invitae), Labcorp
Classification: Uncertain significance for Charcot-Marie-Tooth disease type 4. Last evaluated: 2025-07-14. Review status: criteria provided, single submitter. Criteria: Invitae Variant Classification Sherloc (09022015). Collection method: clinical testing. Allele origin: germline.
Comment: This sequence change replaces arginine, which is basic and polar, with tryptophan, which is neutral and slightly polar, at codon 56 of the NDRG1 protein (p.Arg56Trp). This variant is present in population databases (rs769720211, gnomAD 0.006%). This variant has not been reported in the literature in individuals affected with NDRG1-related conditions. ClinVar contains an entry for this variant (Variation ID: 572374). Invitae Evidence Modeling of protein sequence and biophysical properties (such as structural, functional, and spatial information, amino acid conservation, physicochemical variation, residue mobility, and thermodynamic stability) indicates that this missense variant is expected to disrupt NDRG1 protein function with a positive predictive value of 80%. In summary, the available evidence is currently insufficient to determine the role of this variant in disease. Therefore, it has been classified as a Variant of Uncertain Significance.

Ambry Genetics
Classification: Uncertain significance for Inborn genetic diseases. Last evaluated: 2019-12-02. Review status: criteria provided, single submitter. Criteria: Ambry Variant Classification Scheme 2023. Collection method: clinical testing. Allele origin: germline.
Comment: The p.R56W variant (also known as c.166C>T), located in coding exon 3 of the NDRG1 gene, results from a C to T substitution at nucleotide position 166. The arginine at codon 56 is replaced by tryptophan, an amino acid with dissimilar properties. This amino acid position is highly conserved in available vertebrate species. In addition, this alteration is predicted to be deleterious by in silico analysis. Since supporting evidence is limited at this time, the clinical significance of this alteration remains unclear.

Natera, Inc.
Classification: Uncertain significance for Charcot-Marie-Tooth disease type 4D. Last evaluated: 2021-04-28. Review status: no assertion criteria provided. Collection method: clinical testing. Allele origin: germline. Not counted in ClinVar's aggregate classification.

NM_006096.4(NDRG1):c.166C>T (p.Arg56Trp)

Gene: NDRG1 (N-myc downstream regulated 1; minus strand). Cytogenetic location: 8q24.22.
Variant type: single nucleotide variant.
Coding change: c.166C>T on transcript NM_006096.4 (MANE Select); coding-DNA position 166, C replaced by T.
Protein change: p.Arg56Trp; replaces arginine 56 with tryptophan.
Molecular consequence: missense variant. On other transcripts: 5 prime UTR variant (2), intron variant (1).
Genome position (GRCh38, 1-based): chr8:133,264,586, G>A on the plus strand (C>T on the coding strand, the complement: NDRG1 is on the minus strand). VCF-style: chr8-133264586-G-A. GRCh37 (hg19) VCF-style: chr8-134276829-G-A.
Other names: c.166C>T, p.Arg56Trp (NM_001135242.2, NM_001374844.1, NM_001374845.1 and 1 more transcripts); c.-33C>T (NM_001258432.2, NM_001374847.1); c.-38-2419C>T (NM_001258433.2); short protein forms R56W.
Identifiers: ClinVar variation 572374 (VCV000572374.7), dbSNP rs769720211, ClinGen allele CA4886866.
Genomic context (GRCh38, chr8:133,264,586, plus strand): 5'-TCAGAGCTCCTCAGAACTTACGGTTCATGCCGATGTCATGGTAGGTGAGGATGACAGGCC[G>A]GTTTCCCTTGGGAGTCCCACACAGCGTGACGTGAACAGAGCCATGTAAAGTCTCGATGTC-3'
Protein context (NP_006087.2, residues 46-66): VTLCGTPKGN[Arg56Trp]PVILTYHDIG